The following is an entry in ClinVar:

ClinVar aggregate classification (germline): Likely benign. Review status: criteria provided, multiple submitters, no conflicts (2 of 4 stars). 2 submissions from 2 submitters: Likely benign (2). Last evaluated 2025-06-23.

Conditions:
Hypertrophic cardiomyopathy. Also called: HYPERTROPHIC MYOCARDIOPATHY. Identifiers: Orphanet 217569, MedGen C0007194, MeSH D002312, MONDO:0005045, HP:0001639.

Allele frequency attached by ClinVar (database versions not stated): gnomAD exomes below 0.00001 and 0.00001; ExAC 0.00001.
gnomAD v4.1: 16 of 1,610,992 alleles (0.00099%); highest among the groups gnomAD compares: Non-Finnish European, 0.0013%; no homozygotes.

Submissions (2):

Labcorp Genetics (formerly Invitae), Labcorp
Classification: Likely benign for Hypertrophic cardiomyopathy. Last evaluated: 2025-06-23. Review status: criteria provided, single submitter. Criteria: Invitae Variant Classification Sherloc (09022015). Collection method: clinical testing. Allele origin: germline.

GeneDx
Classification: Likely benign. Last evaluated: 2017-11-02. Review status: criteria provided, single submitter. Criteria: GeneDx Variant Classification (06012015). Collection method: clinical testing. Allele origin: germline. Affected: yes.
Comment: This variant is considered likely benign or benign based on one or more of the following criteria: it is a conservative change, it occurs at a poorly conserved position in the protein, it is predicted to be benign by multiple in silico algorithms, and/or has population frequency not consistent with disease.

NM_000257.4(MYH7):c.4645-16C>T

Genes: MHRT (myosin heavy chain associated RNA transcript; plus strand), MYH7 (myosin heavy chain 7; minus strand), LOC126861897 (BRD4-independent group 4 enhancer GRCh37_chr14:23884455-23885654; plus strand). Cytogenetic location: 14q11.2.
Variant type: single nucleotide variant.
Coding change: c.4645-16C>T on transcript NM_000257.4 (MANE Select); 16 bases into the intron before coding-DNA position 4645, C replaced by T.
Molecular consequence: intron variant.
Genome position (GRCh38, 1-based): chr14:23,416,328, G>A on the plus strand (C>T on the coding strand, the complement: MYH7 is on the minus strand). VCF-style: chr14-23416328-G-A. GRCh37 (hg19) VCF-style: chr14-23885537-G-A.
Other names: c.4645-16C>T (LRG_384t1).
Identifiers: ClinVar variation 512963 (VCV000512963.9), dbSNP rs778453839, ClinGen allele CA043243.